The following is an entry in ClinVar:

NM_007255.3(B4GALT7):c.639+5G>A

Gene: B4GALT7 (beta-1,4-galactosyltransferase 7; plus strand). Cytogenetic location: 5q35.3.
Variant type: single nucleotide variant.
Coding change: c.639+5G>A on transcript NM_007255.3 (MANE Select); 5 bases into the intron after coding-DNA position 639, G replaced by A.
Molecular consequence: intron variant.
Genome position (GRCh38, 1-based): chr5:177,607,532, G>A. VCF-style: chr5-177607532-G-A. GRCh37 (hg19) VCF-style: chr5-177034533-G-A.
Identifiers: ClinVar variation 1394504 (VCV001394504.8), dbSNP rs1421361359, ClinGen allele CA564901037.

ClinVar aggregate classification (germline): Uncertain significance. Review status: criteria provided, multiple submitters, no conflicts (2 of 4 stars). 2 submissions from 2 submitters: Uncertain significance (2). Last evaluated 2021-08-01.

Conditions:
Ehlers-Danlos syndrome, spondylodysplastic type, 1 (EDSSPD1). Also called: DERMATAN SULFATE PROTEOGLYCAN; EHLERS-DANLOS SYNDROME, PROGEROID TYPE, 1; GALACTOSYLTRANSFERASE I DEFICIENCY; PDS, DEFECTIVE BIOSYNTHESIS OF; XGPT DEFICIENCY; XYLOSYLPROTEIN 4-BETA-GALACTOSYLTRANSFERASE DEFICIENCY. Identifiers: Orphanet 75496, MedGen C4552003, MONDO:0020682, OMIM 130070.

Allele frequency attached by ClinVar (database versions not stated): gnomAD exomes below 0.00001 and 0.00001; TOPMed 0.00002; gnomAD 0.00001.
gnomAD v4.1: 7 of 1,609,258 alleles (0.00043%); highest among the groups gnomAD compares: Non-Finnish European, 0.00059%; no homozygotes.

Submissions (2):

Department of Clinical Genetics, Copenhagen University Hospital, Rigshospitalet
Classification: Uncertain significance for Ehlers-Danlos syndrome, spondylodysplastic type, 1. Last evaluated: 2021-08-01. Review status: criteria provided, single submitter. Criteria: ACMG Guidelines, 2015. Collection method: clinical testing. Allele origin: unknown. Affected: yes.

Labcorp Genetics (formerly Invitae), Labcorp
Classification: Uncertain significance for Spondylodysplastic Ehlers-Danlos syndrome. Last evaluated: 2021-05-31. Review status: criteria provided, single submitter. Criteria: Invitae Variant Classification Sherloc (09022015). Collection method: clinical testing. Allele origin: germline.
Comment: In summary, the available evidence is currently insufficient to determine the role of this variant in disease. Therefore, it has been classified as a Variant of Uncertain Significance. Nucleotide substitutions within the consensus splice site are a relatively common cause of aberrant splicing (PMID: 17576681, 9536098). Algorithms developed to predict the effect of sequence changes on RNA splicing suggest that this variant may disrupt the consensus splice site, but this prediction has not been confirmed by published transcriptional studies. This variant has not been reported in the literature in individuals with B4GALT7-related conditions. This variant is not present in population databases (ExAC no frequency). This sequence change falls in intron 3 of the B4GALT7 gene. It does not directly change the encoded amino acid sequence of the B4GALT7 protein. It affects a nucleotide within the consensus splice site of the intron.

Literature cited by the submitters: PubMed 17576681 (cited by Labcorp Genetics (formerly Invitae), Labcorp); PubMed 9536098 (cited by Labcorp Genetics (formerly Invitae), Labcorp).